The following is an entry in ClinVar:

NM_032043.3(BRIP1):c.3728G>A (p.Gly1243Asp)

Gene: BRIP1 (BRCA1 interacting DNA helicase 1; minus strand). Cytogenetic location: 17q23.2.
Variant type: single nucleotide variant.
Coding change: c.3728G>A on transcript NM_032043.3 (MANE Select); coding-DNA position 3728, G replaced by A.
Protein change: p.Gly1243Asp; replaces glycine 1243 with aspartic acid.
Molecular consequence: missense variant.
Genome position (GRCh38, 1-based): chr17:61,683,318, C>T on the plus strand (G>A on the coding strand, the complement: BRIP1 is on the minus strand). VCF-style: chr17-61683318-C-T. GRCh37 (hg19) VCF-style: chr17-59760679-C-T.
Other names: short protein forms G1243D.
Identifiers: ClinVar variation 407810 (VCV000407810.15), dbSNP rs765545033, ClinGen allele CA16615818.

ClinVar aggregate classification (germline): Uncertain significance. Review status: criteria provided, multiple submitters, no conflicts (2 of 4 stars). 3 submissions from 3 submitters: Uncertain significance (3). Last evaluated 2026-01-31.

Conditions:
Hereditary cancer-predisposing syndrome. Also called: Hereditary neoplastic syndrome; Neoplastic Syndromes, Hereditary; Tumor predisposition; Hereditary Cancer Syndrome. Identifiers: Orphanet 140162, MedGen C0027672, MeSH D009386, MONDO:0015356.
Familial cancer of breast. Also called: Hereditary breast cancer; hereditary breast carcinoma; BREAST CANCER, FAMILIAL. Identifiers: Orphanet 227535, MedGen C0346153, MONDO:0016419, OMIM 114480. Disease mechanism: loss of function.
Fanconi anemia complementation group J. Also called: BRIP1-Related Fanconi Anemia. Identifiers: Orphanet 84, MedGen C1836860, MONDO:0012187, OMIM 609054.

Submissions (3):

Labcorp Genetics (formerly Invitae), Labcorp
Classification: Uncertain significance for Familial cancer of breast; Fanconi anemia complementation group J. Last evaluated: 2026-01-31. Review status: criteria provided, single submitter. Criteria: Invitae Variant Classification Sherloc (09022015). Collection method: clinical testing. Allele origin: germline.
Comment: This sequence change replaces glycine, which is neutral and non-polar, with aspartic acid, which is acidic and polar, at codon 1243 of the BRIP1 protein (p.Gly1243Asp). This variant is not present in population databases (gnomAD no frequency). This variant has not been reported in the literature in individuals affected with BRIP1-related conditions. ClinVar contains an entry for this variant (Variation ID: 407810). An algorithm developed to predict the effect of missense changes on protein structure and function outputs the following: PolyPhen-2: "Benign". The aspartic acid amino acid residue is found in multiple mammalian species, which suggests that this missense change does not adversely affect protein function. In summary, the available evidence is currently insufficient to determine the role of this variant in disease. Therefore, it has been classified as a Variant of Uncertain Significance.

Ambry Genetics
Classification: Uncertain significance for Hereditary cancer-predisposing syndrome. Last evaluated: 2025-11-25. Review status: criteria provided, single submitter. Criteria: Ambry Variant Classification Scheme 2023. Collection method: clinical testing. Allele origin: germline.
Comment: The p.G1243D variant (also known as c.3728G>A), located in coding exon 19 of the BRIP1 gene, results from a G to A substitution at nucleotide position 3728. The glycine at codon 1243 is replaced by aspartic acid, an amino acid with similar properties. This amino acid position is not well conserved in available vertebrate species. In addition, this alteration is predicted to be tolerated by in silico analysis. Since supporting evidence is limited at this time, the clinical significance of this alteration remains unclear.

GeneDx
Classification: Uncertain significance. Last evaluated: 2017-05-23. Review status: criteria provided, single submitter. Criteria: GeneDx Variant Classification (06012015). Collection method: clinical testing. Allele origin: germline. Affected: yes.
Comment: This variant is denoted BRIP1 c.3728G>A at the cDNA level, p.Gly1243Asp (G1243D) at the protein level, and results in the change of a Glycine to an Aspartic Acid (GGC>GAC). This variant has not, to our knowledge, been published in the literature as pathogenic or benign. BRIP1 Gly1243Asp was not observed in large population cohorts (NHLBI Exome Sequencing Project, The 1000 Genomes Consortium 2015, Lek 2016). Since Glycine and Aspartic Acid differ in polarity, charge, size or other properties, this is considered a non-conservative amino acid substitution. BRIP1 Gly1243Asp occurs at a position that is not conserved and is not located in a known functional domain. In silico analyses predict that this variant is unlikely to alter protein structure or function. Based on currently available evidence, it is unclear whether BRIP1 Gly1243Asp is a pathogenic or benign variant. We consider it to be a variant of uncertain significance.